The following is an entry in ClinVar:

ClinVar aggregate classification (germline): Conflicting classifications of pathogenicity. Review status: criteria provided, conflicting classifications (1 of 4 stars). 4 submissions from 4 submitters: Uncertain significance (2); Likely benign (2). Last evaluated 2026-04-06.

Conditions:
Inborn genetic diseases. Identifiers: MedGen C0950123, MeSH D030342.

Allele frequency attached by ClinVar (database versions not stated): gnomAD 0.00003; gnomAD exomes 0.00004; TOPMed 0.00004; ExAC 0.00006.
gnomAD v4.1: 46 of 1,614,098 alleles (0.0028%); highest among the groups gnomAD compares: Middle Eastern, 0.033%; no homozygotes.

Submissions (4):

Women's Health and Genetics/Laboratory Corporation of America, LabCorp
Classification: Uncertain significance. Last evaluated: 2026-04-06. Review status: criteria provided, single submitter. Criteria: LabCorp Variant Classification Summary - May 2015. Collection method: clinical testing. Allele origin: germline.
Comment: Variant summary: KMT2A c.3830C>T (p.Ser1277Leu) results in a non-conservative amino acid change in the encoded protein sequence. Algorithms developed to predict the effect of missense changes on protein structure and function are either unavailable or do not agree on the potential impact of this missense change. The variant allele was found at a frequency of 4.4e-05 in 251184 control chromosomes. This frequency is not significantly higher than estimated for disease-causing variants in KMT2A, allowing no conclusion about variant significance. To our knowledge, no occurrence of c.3830C>T in individuals affected with KMT2A-related conditions and no experimental evidence demonstrating its impact on protein function have been reported. ClinVar contains an entry for this variant (Variation ID: 1508726). Based on the evidence outlined above, the variant was classified as uncertain significance.

Labcorp Genetics (formerly Invitae), Labcorp
Classification: Uncertain significance. Last evaluated: 2024-08-12. Review status: criteria provided, single submitter. Criteria: Invitae Variant Classification Sherloc (09022015). Collection method: clinical testing. Allele origin: germline.
Comment: This sequence change replaces serine, which is neutral and polar, with leucine, which is neutral and non-polar, at codon 1277 of the KMT2A protein (p.Ser1277Leu). The frequency data for this variant in the population databases is considered unreliable, as metrics indicate poor data quality at this position in the gnomAD database. This variant has not been reported in the literature in individuals affected with KMT2A-related conditions. ClinVar contains an entry for this variant (Variation ID: 1508726). Advanced modeling of protein sequence and biophysical properties (such as structural, functional, and spatial information, amino acid conservation, physicochemical variation, residue mobility, and thermodynamic stability) has been performed at Invitae for this missense variant, however the output from this modeling did not meet the statistical confidence thresholds required to predict the impact of this variant on KMT2A protein function. In summary, the available evidence is currently insufficient to determine the role of this variant in disease. Therefore, it has been classified as a Variant of Uncertain Significance.

Blueprint Genetics
Classification: Likely benign. Last evaluated: 2023-05-25. Review status: criteria provided, single submitter. Criteria: ACMG Guidelines, 2015. Collection method: clinical testing. Allele origin: germline.

Ambry Genetics
Classification: Likely benign for Inborn genetic diseases. Last evaluated: 2022-01-26. Review status: criteria provided, single submitter. Criteria: Ambry Variant Classification Scheme 2023. Collection method: clinical testing. Allele origin: germline.

NM_001197104.2(KMT2A):c.3830C>T (p.Ser1277Leu)

Gene: KMT2A (lysine methyltransferase 2A; plus strand). Cytogenetic location: 11q23.3.
Variant type: single nucleotide variant.
Coding change: c.3830C>T on transcript NM_001197104.2 (MANE Select); coding-DNA position 3830, C replaced by T.
Protein change: p.Ser1277Leu; replaces serine 1277 with leucine.
Molecular consequence: missense variant.
Genome position (GRCh38, 1-based): chr11:118,481,910, C>T. VCF-style: chr11-118481910-C-T. GRCh37 (hg19) VCF-style: chr11-118352625-C-T.
Other names: c.3830C>T (NM_001197104.1); c.3830C>T, p.Ser1277Leu (NM_005933.4); short protein forms S1277L.
Identifiers: ClinVar variation 1508726 (VCV001508726.8), dbSNP rs782070742, ClinGen allele CA6303735.